The following is an entry in ClinVar:

ClinVar aggregate classification (germline): Conflicting classifications of pathogenicity. Review status: criteria provided, conflicting classifications (1 of 4 stars). 2 submissions from 2 submitters: Uncertain significance (1); Likely benign (1). Last evaluated 2025-04-09.

Conditions:
Long QT syndrome (LQTS). Identifiers: MedGen C0023976, MeSH D008133, MONDO:0002442. Disease mechanism: loss of function. Inheritance: Various modes of inheritance.
Cardiovascular phenotype. Identifiers: MedGen CN230736.

Allele frequency attached by ClinVar (database versions not stated): TOPMed below 0.00001.

Submissions (2):

Labcorp Genetics (formerly Invitae), Labcorp
Classification: Uncertain significance for Long QT syndrome. Last evaluated: 2025-04-09. Review status: criteria provided, single submitter. Criteria: Invitae Variant Classification Sherloc (09022015). Collection method: clinical testing. Allele origin: germline.
Comment: This sequence change replaces serine, which is neutral and polar, with alanine, which is neutral and non-polar, at codon 577 of the AKAP9 protein (p.Ser577Ala). This variant is not present in population databases (gnomAD no frequency). This variant has not been reported in the literature in individuals affected with AKAP9-related conditions. ClinVar contains an entry for this variant (Variation ID: 1778929). An algorithm developed to predict the effect of missense changes on protein structure and function outputs the following: PolyPhen-2: "Benign". The alanine amino acid residue is found in multiple mammalian species, which suggests that this missense change does not adversely affect protein function. In summary, the available evidence is currently insufficient to determine the role of this variant in disease. Therefore, it has been classified as a Variant of Uncertain Significance.

Ambry Genetics
Classification: Likely benign for Cardiovascular phenotype. Last evaluated: 2019-07-08. Review status: criteria provided, single submitter. Criteria: Ambry Variant Classification Scheme 2023. Collection method: clinical testing. Allele origin: germline.

NM_005751.5(AKAP9):c.1729T>G (p.Ser577Ala)

Gene: AKAP9 (A-kinase anchoring protein 9; plus strand). Cytogenetic location: 7q21.2.
Variant type: single nucleotide variant.
Coding change: c.1729T>G on transcript NM_005751.5 (MANE Select); coding-DNA position 1729, T replaced by G.
Protein change: p.Ser577Ala; replaces serine 577 with alanine.
Molecular consequence: missense variant.
Genome position (GRCh38, 1-based): chr7:92,001,646, T>G. VCF-style: chr7-92001646-T-G. GRCh37 (hg19) VCF-style: chr7-91630960-T-G.
Other names: c.1729T>G, p.Ser577Ala (NM_147185.3); short protein forms S577A.
Identifiers: ClinVar variation 1778929 (VCV001778929.3), dbSNP rs1799200073, ClinGen allele CA368122453.